The following is an entry in ClinVar:

ClinVar aggregate classification (germline): Benign/Likely benign. Review status: criteria provided, multiple submitters, no conflicts (2 of 4 stars). 7 submissions from 7 submitters: Benign (2); Likely benign (4). 1 of the submissions does not count toward it. Last evaluated 2025-12-18.

Conditions:
BARD1-related disorder. Also called: BARD1-related condition.
Familial cancer of breast. Also called: BREAST CANCER, FAMILIAL; hereditary breast carcinoma; Hereditary breast cancer. Identifiers: Orphanet 227535, MedGen C0346153, MONDO:0016419, OMIM 114480. Disease mechanism: loss of function.
Hereditary cancer-predisposing syndrome. Also called: Neoplastic Syndromes, Hereditary; Tumor predisposition; Hereditary Cancer Syndrome; Hereditary neoplastic syndrome. Identifiers: Orphanet 140162, MedGen C0027672, MeSH D009386, MONDO:0015356.

Allele frequency attached by ClinVar (database versions not stated): gnomAD exomes 0.00001 and 0.00002; gnomAD 0.00003; ExAC 0.00004; TOPMed 0.00004.
gnomAD v4.1: 8 of 1,592,324 alleles (0.0005%); highest among the groups gnomAD compares: African/African-American, 0.0094%; no homozygotes.

Submissions (7):

Labcorp Genetics (formerly Invitae), Labcorp
Classification: Likely benign for Familial cancer of breast. Last evaluated: 2025-12-18. Review status: criteria provided, single submitter. Criteria: Invitae Variant Classification Sherloc (09022015). Collection method: clinical testing. Allele origin: germline.

Myriad Genetics, Inc.
Classification: Benign for Familial cancer of breast. Last evaluated: 2024-07-18. Review status: criteria provided, single submitter. Criteria: Myriad Autosomal Dominant, Autosomal Recessive and X-Linked Classification Criteria (2023). Collection method: clinical testing. Allele origin: unknown.
Comment: This variant is considered benign. This variant is a silent/synonymous amino acid change and it is not expected to impact splicing.

Quest Diagnostics Nichols Institute San Juan Capistrano
Classification: Benign. Last evaluated: 2022-02-12. Review status: criteria provided, single submitter. Criteria: Quest Diagnostics criteria. Collection method: clinical testing. Allele origin: unknown.

GeneDx
Classification: Likely benign. Last evaluated: 2017-08-23. Review status: criteria provided, single submitter. Criteria: GeneDx Variant Classification (06012015). Collection method: clinical testing. Allele origin: germline. Affected: yes.
Comment: This variant is considered likely benign or benign based on one or more of the following criteria: it is a conservative change, it occurs at a poorly conserved position in the protein, it is predicted to be benign by multiple in silico algorithms, and/or has population frequency not consistent with disease.

Color Diagnostics, LLC DBA Color Health
Classification: Likely benign for Hereditary cancer-predisposing syndrome. Last evaluated: 2016-10-29. Review status: criteria provided, single submitter. Criteria: ACMG Guidelines, 2015. Collection method: clinical testing. Allele origin: germline.

Ambry Genetics
Classification: Likely benign for Hereditary cancer-predisposing syndrome. Last evaluated: 2015-05-06. Review status: criteria provided, single submitter. Criteria: Ambry Variant Classification Scheme 2023. Collection method: clinical testing. Allele origin: germline.

PreventionGenetics, part of Exact Sciences
Classification: Likely benign for BARD1-related condition. Last evaluated: 2023-02-03. Review status: no assertion criteria provided. Collection method: clinical testing. Allele origin: germline. Not counted in ClinVar's aggregate classification.
Comment: This variant is classified as likely benign based on ACMG/AMP sequence variant interpretation guidelines (Richards et al. 2015 PMID: 25741868, with internal and published modifications).

NM_000465.4(BARD1):c.48C>T (p.Ser16=)

Gene: BARD1 (BRCA1 associated RING domain 1; minus strand). Cytogenetic location: 2q35.
Variant type: single nucleotide variant.
Coding change: c.48C>T on transcript NM_000465.4 (MANE Select); coding-DNA position 48, C replaced by T.
Protein change: p.Ser16=; no amino-acid change (serine 16 retained).
Molecular consequence: synonymous variant. On other transcripts: non-coding transcript variant (3).
Genome position (GRCh38, 1-based): chr2:214,809,522, G>A on the plus strand (C>T on the coding strand, the complement: BARD1 is on the minus strand). VCF-style: chr2-214809522-G-A. GRCh37 (hg19) VCF-style: chr2-215674246-G-A.
Other names: c.48C>T, p.Ser16= (NM_001282543.2, NM_001282545.2, NM_001282548.2 and 1 more transcripts).
Identifiers: ClinVar variation 231668 (VCV000231668.23), dbSNP rs770753803, ClinGen allele CA2090532.